The following is an entry in ClinVar:

ClinVar aggregate classification (germline): Uncertain significance. Review status: criteria provided, multiple submitters, no conflicts (2 of 4 stars). 2 submissions from 2 submitters: Uncertain significance (2). Last evaluated 2025-10-15.

Conditions:
Inborn genetic diseases. Identifiers: MedGen C0950123, MeSH D030342.

Allele frequency attached by ClinVar (database versions not stated): TOPMed below 0.00001; gnomAD 0.00001.
gnomAD v4.1: 1 of 1,613,948 alleles (0.000062%); highest among the groups gnomAD compares: African/African-American, 0.0013%; no homozygotes.

Submissions (2):

Ambry Genetics
Classification: Uncertain significance for Inborn genetic diseases. Last evaluated: 2025-10-15. Review status: criteria provided, single submitter. Criteria: Ambry Variant Classification Scheme 2023. Collection method: clinical testing. Allele origin: germline.

Labcorp Genetics (formerly Invitae), Labcorp
Classification: Uncertain significance. Last evaluated: 2022-02-18. Review status: criteria provided, single submitter. Criteria: Invitae Variant Classification Sherloc (09022015). Collection method: clinical testing. Allele origin: germline.
Comment: This sequence change replaces glutamic acid, which is acidic and polar, with lysine, which is basic and polar, at codon 2142 of the COL7A1 protein (p.Glu2142Lys). This variant is not present in population databases (gnomAD no frequency). This variant has not been reported in the literature in individuals affected with COL7A1-related conditions. Advanced modeling of protein sequence and biophysical properties (such as structural, functional, and spatial information, amino acid conservation, physicochemical variation, residue mobility, and thermodynamic stability) performed at Invitae indicates that this missense variant is not expected to disrupt COL7A1 protein function. In summary, the available evidence is currently insufficient to determine the role of this variant in disease. Therefore, it has been classified as a Variant of Uncertain Significance.

NM_000094.4(COL7A1):c.6424G>A (p.Glu2142Lys)

Gene: COL7A1 (collagen type VII alpha 1 chain; minus strand). Cytogenetic location: 3p21.31.
Variant type: single nucleotide variant.
Coding change: c.6424G>A on transcript NM_000094.4 (MANE Select); coding-DNA position 6424, G replaced by A.
Protein change: p.Glu2142Lys; replaces glutamic acid 2142 with lysine.
Molecular consequence: missense variant.
Genome position (GRCh38, 1-based): chr3:48,574,520, C>T on the plus strand (G>A on the coding strand, the complement: COL7A1 is on the minus strand). VCF-style: chr3-48574520-C-T. GRCh37 (hg19) VCF-style: chr3-48611953-C-T.
Other names: short protein forms E2142K.
Identifiers: ClinVar variation 2098458 (VCV002098458.2), dbSNP rs1312766377, ClinGen allele CA352658599.